The following is an entry in ClinVar:

NM_001429.4(EP300):c.12T>C (p.Asn4=)

Gene: EP300 (EP300 lysine acetyltransferase; plus strand). Cytogenetic location: 22q13.2.
Variant type: single nucleotide variant.
Coding change: c.12T>C on transcript NM_001429.4 (MANE Select); coding-DNA position 12, T replaced by C.
Protein change: p.Asn4=; no amino-acid change (asparagine 4 retained).
Molecular consequence: synonymous variant.
Genome position (GRCh38, 1-based): chr22:41,093,016, T>C. VCF-style: chr22-41093016-T-C. GRCh37 (hg19) VCF-style: chr22-41489020-T-C.
Other names: c.12T>C, p.Asn4= (NM_001362843.2).
Identifiers: ClinVar variation 719791 (VCV000719791.11), dbSNP rs758604225, ClinGen allele CA10252137.

ClinVar aggregate classification (germline): Likely benign. Review status: criteria provided, multiple submitters, no conflicts (2 of 4 stars). 3 submissions from 3 submitters: Likely benign (2). 1 of the submissions does not count toward it. Last evaluated 2025-03-31.

Conditions:
EP300-related disorder. Also called: EP300-related condition; EP300-related disorders.
Rubinstein-Taybi syndrome due to EP300 haploinsufficiency. Also called: EP300-Related Rubinstein-Taybi Syndrome; RUBINSTEIN-TAYBI SYNDROME 2. Identifiers: Orphanet 353284, Orphanet 783, MedGen C3150941, MONDO:0013364, OMIM 613684.

Allele frequency attached by ClinVar (database versions not stated): gnomAD 0.00001; gnomAD exomes 0.00002 and 0.00004; TOPMed 0.00002; ExAC 0.00003.
gnomAD v4.1: 36 of 1,613,924 alleles (0.0022%); highest among the groups gnomAD compares: Admixed American, 0.018%; no homozygotes.

Submissions (3):

Labcorp Genetics (formerly Invitae), Labcorp
Classification: Likely benign for Rubinstein-Taybi syndrome due to EP300 haploinsufficiency. Last evaluated: 2025-03-31. Review status: criteria provided, single submitter. Criteria: Invitae Variant Classification Sherloc (09022015). Collection method: clinical testing. Allele origin: germline.

Blueprint Genetics
Classification: Likely benign. Last evaluated: 2024-02-08. Review status: criteria provided, single submitter. Criteria: ACMG Guidelines, 2015. Collection method: clinical testing. Allele origin: germline.

PreventionGenetics, part of Exact Sciences
Classification: Likely benign for EP300-related condition. Last evaluated: 2021-09-21. Review status: no assertion criteria provided. Collection method: clinical testing. Allele origin: germline. Not counted in ClinVar's aggregate classification.
Comment: This variant is classified as likely benign based on ACMG/AMP sequence variant interpretation guidelines (Richards et al. 2015 PMID: 25741868, with internal and published modifications).